The following is an entry in ClinVar:

ClinVar aggregate classification (germline): Conflicting classifications of pathogenicity. Review status: criteria provided, conflicting classifications (1 of 4 stars). 3 submissions from 3 submitters: Uncertain significance (1); Likely benign (2). Last evaluated 2025-12-30.

Conditions:
ABCC2-related disorder. Also called: ABCC2-related condition.

Allele frequency attached by ClinVar (database versions not stated): ExAC 0.00002; gnomAD exomes 0.00004 and 0.00005; gnomAD 0.00005 and 0.00007; TOPMed 0.00006; 1000 Genomes Project 30x 0.00016; 1000 Genomes Project 0.00020.

Submissions (3):

PreventionGenetics, part of Exact Sciences
Classification: Likely benign for ABCC2-related condition. Last evaluated: 2025-12-30. Review status: criteria provided, single submitter. Criteria: ACMG Guidelines, 2015. Collection method: clinical testing. Allele origin: germline.
Comment: This variant is classified as likely benign based on ACMG/AMP sequence variant interpretation guidelines (Richards et al. 2015 PMID: 25741868, with internal and published modifications).

Labcorp Genetics (formerly Invitae), Labcorp
Classification: Likely benign. Last evaluated: 2024-02-25. Review status: criteria provided, single submitter. Criteria: Invitae Variant Classification Sherloc (09022015). Collection method: clinical testing. Allele origin: germline.

Eurofins Ntd Llc (ga)
Classification: Uncertain significance. Last evaluated: 2017-09-18. Review status: criteria provided, single submitter. Criteria: EGL Classification Definitions 2015. Collection method: clinical testing. Allele origin: germline. Observed: 1 variant allele, 1 heterozygote.

NM_000392.5(ABCC2):c.2826C>T (p.Asp942=)

Genes: ABCC2 (ATP binding cassette subfamily C member 2; plus strand), LOC126861012 (BRD4-independent group 4 enhancer GRCh37_chr10:101589748-101590947; plus strand). Cytogenetic location: 10q24.2.
Variant type: single nucleotide variant.
Coding change: c.2826C>T on transcript NM_000392.5 (MANE Select); coding-DNA position 2826, C replaced by T.
Protein change: p.Asp942=; no amino-acid change (aspartic acid 942 retained).
Molecular consequence: synonymous variant.
Genome position (GRCh38, 1-based): chr10:99,830,794, C>T. VCF-style: chr10-99830794-C-T. GRCh37 (hg19) VCF-style: chr10-101590551-C-T.
Other names: c.2826C>T, p.Asp942= (LRG_1208t1); c.2826C>T (NM_000392.4).
Identifiers: ClinVar variation 594127 (VCV000594127.9), dbSNP rs148081784, ClinGen allele CA5643615.
Genomic context (GRCh38, chr10:99,830,794, plus strand): 5'-GCATCTGAAGTCCCTGAGAAACTCCTTGAAAACTCGGAATGTGAATAGCCTGAAGGAAGA[C>T]GAAGAACTAGTGAAAGGACAAAAACTAATTAAGAAGGAATTCATAGAAACTGGAAAGGTG-3'
Protein context (NP_000383.2, residues 932-952): KTRNVNSLKE[Asp942=]EELVKGQKLI